The following is an entry in ClinVar:

NM_172351.3(CD46):c.287-2A>G

Gene: CD46 (CD46 molecule; plus strand). Cytogenetic location: 1q32.2.
Variant type: single nucleotide variant.
Coding change: c.287-2A>G on transcript NM_172351.3 (MANE Select); the canonical splice acceptor site of the intron before coding-DNA position 287, A replaced by G.
Molecular consequence: splice acceptor variant.
Genome position (GRCh38, 1-based): chr1:207,757,538, A>G. VCF-style: chr1-207757538-A-G. GRCh37 (hg19) VCF-style: chr1-207930883-A-G.
Other names: c.287-2A>G (NM_002389.4, NM_172359.3, NM_153826.4 and 8 more transcripts).
Identifiers: ClinVar variation 1163189 (VCV001163189.44), dbSNP rs759813089, ClinGen allele CA1371585.

ClinVar aggregate classification (germline): Pathogenic/Likely pathogenic. Review status: criteria provided, multiple submitters, no conflicts (2 of 4 stars). 8 submissions from 8 submitters: Pathogenic (6); Likely pathogenic (2). Last evaluated 2026-06-08.

Conditions:
Thrombotic microangiopathy. Identifiers: Orphanet 93573, MedGen C2717961, MeSH D057049, MONDO:0019737.
CD46-related disorder. Also called: CD46-related condition.
Atypical hemolytic-uremic syndrome. Identifiers: Orphanet 2134, MedGen C2931788, MONDO:0016244.
Atypical hemolytic-uremic syndrome with MCP/CD46 anomaly. Also called: HEMOLYTIC UREMIC SYNDROME, ATYPICAL, SUSCEPTIBILITY TO, 2; AHUS, SUSCEPTIBILITY TO, 2. Identifiers: Orphanet 2134, MedGen C2752040, MONDO:0013040, OMIM 612922.
Familial Atypical Hemolytic-Uremic Syndrome. Identifiers: MedGen C4055018.

Allele frequency attached by ClinVar (database versions not stated): gnomAD 0.00001; gnomAD exomes 0.00001 and 0.00003; TOPMed 0.00002; ExAC 0.00003.
gnomAD v4.1: 9 of 1,575,660 alleles (0.00057%); highest among the groups gnomAD compares: Admixed American, 0.0084%; no homozygotes.

Submissions (8):

PreventionGenetics, part of Exact Sciences
Classification: Pathogenic for CD46-related condition. Last evaluated: 2026-06-08. Review status: criteria provided, single submitter. Criteria: ACMG Guidelines, 2015. Collection method: clinical testing. Allele origin: germline.
Comment: The CD46 c.287-2A>G variant is predicted to disrupt the AG splice acceptor site and interfere with normal splicing. This variant has been reported in the heterozygous state, with and without additional variants in other genes such as CFI, in individuals with atypical hemolytic uremic syndrome (aHUS) (Caprioli et al. 2006. PubMed ID: 16621965; Bresin et al. 2013. PubMed ID: 23431077; Fidalgo et al. 2017. PubMed ID: 30046676). One report commented on the well-documented compound cumulative effect of different genetic risk factors on the aHUS phenotype and noted that the patient with the c.287-2A>G in that study also had one allele with the CD46ggaac haplotype (Fidalgo et al. 2017. PubMed ID: 30046676). This variant is reported in 0.012% of alleles in individuals of Latino descent in gnomAD. Variants that disrupt the consensus splice acceptor site in CD46 are expected to be pathogenic. This variant is interpreted as pathogenic.

Variantyx, Inc.
Classification: Likely pathogenic for Atypical hemolytic-uremic syndrome with MCP/CD46 anomaly. Last evaluated: 2026-01-13. Review status: criteria provided, single submitter. Criteria: Variantyx Assertion Criteria 2022. Collection method: clinical testing. Allele origin: germline. Inheritance: Autosomal dominant inheritance. Affected: yes.
Comment: This is a canonical splicing variant in the CD46 gene (OMIM: 120920). Pathogenic variants in this gene have been associated with autosomal dominant or autosomal recessive susceptibility to atypical hemolytic uremic syndrome-2. This splicing variant is expected to result in loss of function, which is a known disease mechanism for CD46 in this disorder (PMID: 16621965, 16762990) (PVS1). TThe alteration has been reported in the heterozygous state in multiple unrelated affected individuals (PMID:16621965,23431077,23519521,16762990,30046676,30676336). This variant has a 0.0084% maximum allele frequency in non-founder control populations (PM2). Based on the current evidence, this variant is classified as likely pathogenic for autosomal dominant or autosomal recessive susceptibility to atypical hemolytic uremic syndrome-2.

Genomenon, Inc
Classification: Pathogenic for Atypical hemolytic-uremic syndrome. Last evaluated: 2025-10-02. Review status: criteria provided, single submitter. Criteria: Genomenon Sequence Variant Interpretation Standards. Collection method: curation. Allele origin: germline. Affected: yes.
Comment: CD46 c.287-2A>G is a canonical splice variant located in the acceptor splice region in intron 2. This variant has been observed in at least one proband affected with atypical hemolytic-uremic syndrome (PMID:35372954;30890598;30676336;27799617;20540647;30046676;23519521;16762990). At least one splicing study identified that this variant results in aberrant splicing (PMID:16762990;16621965). It is absent or not present at a significant frequency in gnomAD. In conclusion, we classify CD46 c.287-2A>G as a pathogenic variant.

Labcorp Genetics (formerly Invitae), Labcorp
Classification: Pathogenic. Last evaluated: 2024-11-18. Review status: criteria provided, single submitter. Criteria: Invitae Variant Classification Sherloc (09022015). Collection method: clinical testing. Allele origin: germline.
Comment: This sequence change affects an acceptor splice site in intron 2 of the CD46 gene. It is expected to disrupt RNA splicing. Variants that disrupt the donor or acceptor splice site typically lead to a loss of protein function (PMID: 16199547), and loss-of-function variants in CD46 are known to be pathogenic (PMID: 16621965, 23431077). This variant is present in population databases (rs759813089, gnomAD 0.009%). Disruption of this splice site has been observed in individual(s) with atypical hemolytic uremic syndrome (PMID: 16621965, 23431077, 23519521, 30046676, 30676336). This variant is also known as MCP IVS2 –2A>G. ClinVar contains an entry for this variant (Variation ID: 1163189). Studies have shown that disruption of this splice site alters mRNA splicing and is expected to lead to the loss of protein expression (PMID: 16621965). For these reasons, this variant has been classified as Pathogenic.

Mayo Clinic Laboratories, Mayo Clinic
Classification: Pathogenic. Last evaluated: 2022-12-30. Review status: criteria provided, single submitter. Criteria: ACMG Guidelines, 2015. Collection method: clinical testing. Allele origin: germline. Observed: 3 variant alleles.
Comment: PS3, PS4_moderate, PVS1

Women's Health and Genetics/Laboratory Corporation of America, LabCorp
Classification: Pathogenic for Familial Atypical Hemolytic-Uremic Syndrome. Last evaluated: 2022-09-09. Review status: criteria provided, single submitter. Criteria: LabCorp Variant Classification Summary - May 2015. Collection method: clinical testing. Allele origin: germline.
Comment: Variant summary: CD46 c.287-2A>G is located in a canonical splice-site and is predicted to affect mRNA splicing resulting in a significantly altered protein due to either exon skipping, shortening, or inclusion of intronic material. Several computational tools predict a significant impact on normal splicing: Four predict the variant abolishes a 3 acceptor site. At least one publication reports experimental evidence that this variant affects mRNA splicing and results in skipping of exon 3 (Caprioli_2006). The variant allele was found at a frequency of 2.5e-05 in 239282 control chromosomes (gnomAD). c.287-2A>G has been reported in the literature in individuals affected with Genetic Atypical Hemolytic Uremic Syndrome (Caprioli_2006, Gaut_2017). These data indicate that the variant may be associated with disease. Three ClinVar submitters (evaluation after 2014) cite the variant as pathogenic. Based on the evidence outlined above, the variant was classified as pathogenic.

Revvity Omics, Revvity
Classification: Likely pathogenic. Last evaluated: 2020-10-02. Review status: criteria provided, single submitter. Criteria: ACMG Guidelines, 2015. Collection method: clinical testing. Allele origin: germline.

John Atkinson Laboratory, Washington University School of Medicine in St. Louis
Classification: Pathogenic for Thrombotic microangiopathy. Last evaluated: 2015-06-20. Review status: criteria provided, single submitter. Criteria: ACMG Guidelines, 2015. Collection method: clinical testing. Allele origin: germline. Affected: yes.

Literature cited by the submitters: PubMed 16621965 (cited by 5 submitters); PubMed 16762990 (cited by 3 submitters); PubMed 35372954 (cited by Genomenon, Inc); PubMed 30890598 (cited by Genomenon, Inc); PubMed 30676336 (cited by 3 submitters); PubMed 27799617 (cited by Genomenon, Inc); PubMed 20540647 (cited by Genomenon, Inc); PubMed 30046676 (cited by 3 submitters); PubMed 23519521 (cited by 3 submitters); PubMed 16199547 (cited by Labcorp Genetics (formerly Invitae), Labcorp); PubMed 23431077 (cited by Labcorp Genetics (formerly Invitae), Labcorp and Mayo Clinic Laboratories, Mayo Clinic); PubMed 33224962 (cited by Mayo Clinic Laboratories, Mayo Clinic); PubMed 28752844 (cited by Women's Health and Genetics/Laboratory Corporation of America, LabCorp).